The following is an entry in ClinVar:

ClinVar aggregate classification (germline): Uncertain significance (1 of 4 stars; one submission).

Conditions:
Encephalopathy, acute, infection-induced (herpes-specific), susceptibility to, 6. Also called: Herpes simplex encephalitis, susceptibility to, 4. Identifiers: Orphanet 1930, MedGen C3553869, MONDO:0013921, OMIM 614850.

Submission:

Labcorp Genetics (formerly Invitae), Labcorp
Classification: Uncertain significance for Encephalopathy, acute, infection-induced (herpes-specific), susceptibility to, 6. Last evaluated: 2022-02-03. Review status: criteria provided, single submitter. Criteria: Invitae Variant Classification Sherloc (09022015). Collection method: clinical testing. Allele origin: germline.
Comment: In summary, the available evidence is currently insufficient to determine the role of this variant in disease. Therefore, it has been classified as a Variant of Uncertain Significance. Algorithms developed to predict the effect of missense changes on protein structure and function output the following: SIFT: "Tolerated"; PolyPhen-2: "Benign"; Align-GVGD: "Class C0". The serine amino acid residue is found in multiple mammalian species, which suggests that this missense change does not adversely affect protein function. This variant has not been reported in the literature in individuals affected with TICAM1-related conditions. This variant is not present in population databases (gnomAD no frequency). This sequence change replaces proline, which is neutral and non-polar, with serine, which is neutral and polar, at codon 264 of the TICAM1 protein (p.Pro264Ser).

NM_182919.4(TICAM1):c.790C>T (p.Pro264Ser)

Gene: TICAM1 (TIR domain containing adaptor molecule 1; minus strand). Cytogenetic location: 19p13.3.
Variant type: single nucleotide variant.
Coding change: c.790C>T on transcript NM_182919.4 (MANE Select); coding-DNA position 790, C replaced by T.
Protein change: p.Pro264Ser; replaces proline 264 with serine.
Molecular consequence: missense variant.
Genome position (GRCh38, 1-based): chr19:4,817,588, G>A on the plus strand (C>T on the coding strand, the complement: TICAM1 is on the minus strand). VCF-style: chr19-4817588-G-A. GRCh37 (hg19) VCF-style: chr19-4817600-G-A.
Other names: c.748C>T, p.Pro250Ser (NM_001385678.1); c.655C>T, p.Pro219Ser (NM_001385679.1); c.148C>T, p.Pro50Ser (NM_001385680.1); short protein forms P219S, P250S, P50S, P264S.
Identifiers: ClinVar variation 1956115 (VCV001956115.5), dbSNP rs2512399287, ClinGen allele CA403491598.